The following is an entry in ClinVar:

ClinVar aggregate classification (germline): Uncertain significance. Review status: criteria provided, multiple submitters, no conflicts (2 of 4 stars). 2 submissions from 2 submitters: Uncertain significance (2). Last evaluated 2026-01-20.

Conditions:
Inborn genetic diseases. Identifiers: MedGen C0950123, MeSH D030342.

Submissions (2):

Labcorp Genetics (formerly Invitae), Labcorp
Classification: Uncertain significance. Last evaluated: 2026-01-20. Review status: criteria provided, single submitter. Criteria: Invitae Variant Classification Sherloc (09022015). Collection method: clinical testing. Allele origin: germline.
Comment: This sequence change replaces proline, which is neutral and non-polar, with threonine, which is neutral and polar, at codon 458 of the MECOM protein (p.Pro458Thr). This variant is present in population databases (rs759616412, gnomAD 0.006%). This variant has not been reported in the literature in individuals affected with MECOM-related conditions. ClinVar contains an entry for this variant (Variation ID: 3871821). An algorithm developed to predict the effect of missense changes on protein structure and function (PolyPhen-2) suggests that this variant is likely to be tolerated. In summary, the available evidence is currently insufficient to determine the role of this variant in disease. Therefore, it has been classified as a Variant of Uncertain Significance.

Ambry Genetics
Classification: Uncertain significance for Inborn genetic diseases. Last evaluated: 2025-02-09. Review status: criteria provided, single submitter. Criteria: Ambry Variant Classification Scheme 2023. Collection method: clinical testing. Allele origin: germline.
Comment: The p.P646T variant (also known as c.1936C>A), located in coding exon 8 of the MECOM gene, results from a C to A substitution at nucleotide position 1936. The proline at codon 646 is replaced by threonine, an amino acid with highly similar properties. This amino acid position is conserved. In addition, this alteration is predicted to be tolerated by in silico analysis. Based on the available evidence, the clinical significance of this variant remains unclear.

NM_004991.4(MECOM):c.1936C>A (p.Pro646Thr)

Gene: MECOM (MDS1 and EVI1 complex locus; minus strand). Cytogenetic location: 3q26.2.
Variant type: single nucleotide variant.
Coding change: c.1936C>A on transcript NM_004991.4 (MANE Select); coding-DNA position 1936, C replaced by A.
Protein change: p.Pro646Thr; replaces proline 646 with threonine.
Molecular consequence: missense variant. On other transcripts: intron variant (2).
Genome position (GRCh38, 1-based): chr3:169,115,936, G>T on the plus strand (C>A on the coding strand, the complement: MECOM is on the minus strand). VCF-style: chr3-169115936-G-T. GRCh37 (hg19) VCF-style: chr3-168833724-G-T.
Other names: c.1567C>A, p.Pro523Thr (NM_001105077.4); c.1372C>A, p.Pro458Thr (NM_001105078.4, NM_001164000.2, NM_001205194.2 and 4 more transcripts); c.1375C>A, p.Pro459Thr (NM_001163999.2, NM_001366467.2, NM_001366468.2 and 1 more transcripts); c.1936C>A, p.Pro646Thr (NM_001366466.2); c.1133-169C>A (NM_001366473.2); c.569-169C>A (NM_001366474.2); short protein forms P459T, P646T, P523T, P458T.
Identifiers: ClinVar variation 3871821 (VCV003871821.2).